The following is an entry in ClinVar:

ClinVar aggregate classification (germline): Conflicting classifications of pathogenicity. Review status: criteria provided, conflicting classifications (1 of 4 stars). 10 submissions from 10 submitters: Uncertain significance (9); Likely benign (1). Last evaluated 2026-06-17.

Conditions:
Breast-ovarian cancer, familial, susceptibility to, 1 (BROVCA1). Also called: BRCA1 Hereditary Breast and Ovarian Cancer; OVARIAN CANCER, SUSCEPTIBILITY TO. Identifiers: Orphanet 145, MedGen C2676676, MONDO:0011450, OMIM 604370. Disease mechanism: loss of function.
Pancreatic cancer, susceptibility to, 4. Identifiers: Orphanet 1333, MedGen C3280442, MONDO:0013685, OMIM 614320.
Fanconi anemia, complementation group S (FANCS). Identifiers: MedGen C4554406, MONDO:0054748, OMIM 617883.
Hereditary cancer-predisposing syndrome. Also called: Tumor predisposition; Hereditary neoplastic syndrome; Hereditary Cancer Syndrome; Neoplastic Syndromes, Hereditary. Identifiers: Orphanet 140162, MedGen C0027672, MeSH D009386, MONDO:0015356.
Hereditary breast ovarian cancer syndrome. Also called: Hereditary breast and/or ovarian cancer syndrome; Breast and ovarian cancer; Hereditary breast and ovarian cancer syndrome; Hereditary breast and ovarian cancer; Hereditary breast and ovarian cancer syndrome (HBOC); BRCA1- and BRCA2-Associated Hereditary Breast and Ovarian Cancer. Identifiers: Orphanet 145, MedGen C0677776, MeSH D061325, MONDO:0003582. Disease mechanism: loss of function.

Allele frequency attached by ClinVar (database versions not stated): gnomAD exomes below 0.00001; ExAC 0.00001; gnomAD 0.00002 and 0.00003; TOPMed 0.00002; 1000 Genomes Project 30x 0.00016; 1000 Genomes Project 0.00020.
gnomAD v4.1: 6 of 1,613,312 alleles (0.00037%); highest among the groups gnomAD compares: African/African-American, 0.0053%; no homozygotes.

Submissions (10):

Women's Health and Genetics/Laboratory Corporation of America, LabCorp
Classification: Uncertain significance. Last evaluated: 2026-06-17. Review status: criteria provided, single submitter. Criteria: LabCorp Variant Classification Summary - May 2015. Collection method: clinical testing. Allele origin: germline.
Comment: Variant summary: BRCA1 c.733G>T (p.Asp245Tyr) results in a non-conservative amino acid change in the encoded protein sequence. Algorithms developed to predict the effect of missense changes on protein structure and function are either unavailable or do not agree on the potential impact of this missense change. The variant allele was found at a frequency of 4e-06 in 249970 control chromosomes. The available data on variant occurrences in the general population are insufficient to allow any conclusion about variant significance. c.733G>T has been observed in at least one individual affected with breast cancer (example: Liang_2018). This report does not provide unequivocal conclusions about association of the variant with disease. To our knowledge, no experimental evidence demonstrating an impact on protein function has been reported. The following publications have been ascertained in the context of this evaluation (PMID: 29681614, 28726806). ClinVar contains an entry for this variant (Variation ID: 142867). Based on the evidence outlined above, the variant was classified as uncertain significance.

Labcorp Genetics (formerly Invitae), Labcorp
Classification: Uncertain significance for Hereditary breast ovarian cancer syndrome. Last evaluated: 2025-11-20. Review status: criteria provided, single submitter. Criteria: Invitae Variant Classification Sherloc (09022015). Collection method: clinical testing. Allele origin: germline.
Comment: This sequence change replaces aspartic acid, which is acidic and polar, with tyrosine, which is neutral and polar, at codon 245 of the BRCA1 protein (p.Asp245Tyr). The frequency data for this variant in the population databases is considered unreliable, as metrics indicate poor data quality at this position in the gnomAD database. This missense change has been observed in individual(s) with personal and/or family history of breast and/or ovarian cancer (PMID: 29681614). ClinVar contains an entry for this variant (Variation ID: 142867). Invitae Evidence Modeling of protein sequence and biophysical properties (such as structural, functional, and spatial information, amino acid conservation, physicochemical variation, residue mobility, and thermodynamic stability) indicates that this missense variant is expected to disrupt BRCA1 protein function with a positive predictive value of 80%. In summary, the available evidence is currently insufficient to determine the role of this variant in disease. Therefore, it has been classified as a Variant of Uncertain Significance.

Quest Diagnostics Nichols Institute San Juan Capistrano
Classification: Uncertain significance. Last evaluated: 2025-06-27. Review status: criteria provided, single submitter. Criteria: Quest Diagnostics criteria. Collection method: clinical testing. Allele origin: unknown.
Comment: The BRCA1 c.733G>T (p.Asp245Tyr) variant has been reported in the published literature in one individual with breast cancer (PMID: 29681614 (2018)), and two individuals with a personal and/or family history of unspecified cancer (PMID: 31853058 (2020)). The frequency of this variant in the general population (Genome Aggregation Database) is uninformative in the assessment of its pathogenicity. Analysis of this variant using bioinformatics tools for the prediction of the effect of amino acid changes on protein structure and function yielded predictions that this variant is damaging. Based on the available information, we are unable to determine the clinical significance of this variant.

Color Diagnostics, LLC DBA Color Health
Classification: Uncertain significance for Hereditary cancer-predisposing syndrome. Last evaluated: 2025-05-06. Review status: criteria provided, single submitter. Criteria: ACMG Guidelines, 2015. Collection method: clinical testing. Allele origin: germline.
Comment: This missense variant replaces aspartic acid with tyrosine at codon 245 of the BRCA1 protein. Computational prediction is inconclusive regarding the impact of this variant on protein structure and function. To our knowledge, functional studies have not been reported for this variant. This variant has been reported in at least one individual affected with breast cancer (PMID: 29681614) and suspected hereditary breast and ovarian cancer families (PMID: 28726806). A multifactorial analysis reported an estimated likelihood ratio for pathogenicity of 1.154 based on the personal and family history of two carriers (PMID: 31853058). This variant has been identified in 1/249970 chromosomes in the general population by the Genome Aggregation Database (gnomAD). The available evidence is insufficient to determine the role of this variant in disease conclusively. Therefore, this variant is classified as a Variant of Uncertain Significance.

Ambry Genetics
Classification: Uncertain significance for Hereditary cancer-predisposing syndrome. Last evaluated: 2024-08-22. Review status: criteria provided, single submitter. Criteria: Ambry Variant Classification Scheme 2023. Collection method: clinical testing. Allele origin: germline.
Comment: The p.D245Y variant (also known as c.733G>T), located in coding exon 9 of the BRCA1 gene, results from a G to T substitution at nucleotide position 733. The aspartic acid at codon 245 is replaced by tyrosine, an amino acid with highly dissimilar properties. This alteration has been reported in a cohort of Chinese women with breast cancer (Liang Y et al. Med. Sci. Monit., 2018 Apr;24:2465-2475). This amino acid position is well conserved in available vertebrate species. In addition, this alteration is predicted to be deleterious by in silico analysis. Since supporting evidence is limited at this time, the clinical significance of this alteration remains unclear.

GeneDx
Classification: Uncertain significance. Last evaluated: 2024-08-09. Review status: criteria provided, single submitter. Criteria: GeneDx Variant Classification Process June 2021. Collection method: clinical testing. Allele origin: germline.
Comment: Not observed at significant frequency in large population cohorts (gnomAD); In silico analysis supports that this missense variant has a deleterious effect on protein structure/function; Has not been previously published as pathogenic or benign to our knowledge; Also known as 852G>T; This variant is associated with the following publications: (PMID: 29681614, 32377563, 28726806, 31853058, 29884841, 20215511, 9788437, 9582019, 9926942)

Fulgent Genetics
Classification: Uncertain significance for Breast-ovarian cancer, familial, susceptibility to, 1; Pancreatic cancer, susceptibility to, 4; Fanconi anemia, complementation group S. Last evaluated: 2024-01-07. Review status: criteria provided, single submitter. Criteria: ACMG Guidelines, 2015. Collection method: clinical testing. Allele origin: germline.

All of Us Research Program, National Institutes of Health
Classification: Uncertain significance for Breast-ovarian cancer, familial, susceptibility to, 1. Last evaluated: 2023-12-07. Review status: criteria provided, single submitter. Criteria: ACMG Guidelines, 2015. Collection method: clinical testing. Allele origin: germline. Inheritance: Autosomal dominant inheritance. Observed: 1 variant allele, 1 heterozygote.
Comment: This missense variant replaces aspartic acid with tyrosine at codon 245 of the BRCA1 protein. Computational prediction is inconclusive regarding the impact of this variant on protein structure and function (internally defined REVEL score threshold 0.5 < inconclusive < 0.7, PMID: 27666373). Splice site prediction tools suggest that this variant may not impact RNA splicing. To our knowledge, functional studies have not been performed for this variant. This variant has been reported in at least 1 individual affected with breast cancer (PMID: 29681614). This variant has been identified in 1/249970 chromosomes in the general population by the Genome Aggregation Database (gnomAD). The available evidence is insufficient to determine the role of this variant in disease conclusively. Therefore, this variant is classified as a Variant of Uncertain Significance.

This study involves interpretation of variants in research participants for the purpose of population health screening. Participant phenotype was not available at the time of variant classification. Additional details can be found in publication PMID: 35346344, PMCID: PMC8962531

University of Washington Department of Laboratory Medicine, University of Washington
Classification: Likely benign for Hereditary cancer-predisposing syndrome. Last evaluated: 2023-03-23. Review status: criteria provided, single submitter. Criteria: Dines et al. (Genet Med. 2020). Collection method: curation. Allele origin: germline.
Comment: Missense variant in a coldspot region where missense variants are very unlikely to be pathogenic (PMID:31911673).

BRCA1 coldspot (exon 11 using historical exon numbering). Reclassification based on statistical prior probability

ARUP Laboratories, Molecular Genetics and Genomics, ARUP Laboratories
Classification: Uncertain significance. Last evaluated: 2022-03-30. Review status: criteria provided, single submitter. Criteria: ARUP Molecular Germline Variant Investigation Process 2021. Collection method: clinical testing. Allele origin: germline.
Comment: The BRCA1 c.733G>T; p.Asp245Tyr variant (rs147519994) is reported in the literature in a cohort of breast cancer patients (Liang 2018), and is also reported in ClinVar (Variation ID: 142867). This variant is only observed on one allele in the Genome Aggregation Database, indicating it is not a common polymorphism. The aspartate at codon 245 is moderately conserved but computational analyses are uncertain whether this variant is neutral or deleterious (REVEL: 0.558). Due to limited information, the clinical significance of this variant is uncertain at this time. References: Liang Y et al. Prevalence and Spectrum of BRCA1/2 Germline Mutations in Women with Breast Cancer in China Based on Next-Generation Sequencing. Med Sci Monit. 2018 Apr 23;24:2465-2475. PMID: 29681614.

Literature cited by the submitters: PubMed 29681614 (cited by 6 submitters); PubMed 28726806 (cited by Women's Health and Genetics/Laboratory Corporation of America, LabCorp and Color Diagnostics, LLC DBA Color Health); PubMed 31853058 (cited by Quest Diagnostics Nichols Institute San Juan Capistrano and Color Diagnostics, LLC DBA Color Health).

NM_007294.4(BRCA1):c.733G>T (p.Asp245Tyr)

Gene: BRCA1 (BRCA1 DNA repair associated; minus strand). Cytogenetic location: 17q21.31.
Variant type: single nucleotide variant.
Coding change: c.733G>T on transcript NM_007294.4 (MANE Select); coding-DNA position 733, G replaced by T.
Protein change: p.Asp245Tyr; replaces aspartic acid 245 with tyrosine.
Molecular consequence: missense variant. On other transcripts: non-coding transcript variant (1).
Genome position (GRCh38, 1-based): chr17:43,094,798, C>A on the plus strand (G>T on the coding strand, the complement: BRCA1 is on the minus strand). VCF-style: chr17-43094798-C-A. GRCh37 (hg19) VCF-style: chr17-41246815-C-A.
Other names: c.607G>T, p.Asp203Tyr (NM_001408433.1, NM_001408434.1, NM_001408435.1 and 20 more transcripts); c.610G>T, p.Asp204Tyr (NM_001408436.1, NM_001408437.1, NM_001408438.1 and 34 more transcripts); c.598G>T, p.Asp200Tyr (NM_001408451.1); c.592G>T, p.Asp198Tyr (NM_001408452.1, NM_001408453.1, NM_001408454.1 and 43 more transcripts); c.589G>T, p.Asp197Tyr (NM_001408462.1, NM_001408463.1, NM_001408464.1 and 26 more transcripts); c.733G>T, p.Asp245Tyr (NM_001408472.1, NM_007298.4, NM_007299.4 and 54 more transcripts); c.730G>T, p.Asp244Tyr (NM_001408473.1, NM_001407587.1, NM_001407590.1 and 38 more transcripts); c.532G>T, p.Asp178Tyr (NM_001408474.1, NM_001408476.1, NM_001407862.1); and 14 more; short protein forms D245Y, D198Y, D156Y, D174Y, D177Y, D218Y, D157Y, D204Y.
Identifiers: ClinVar variation 142867 (VCV000142867.35), dbSNP rs147519994, ClinGen allele CA003840.